The following is an entry in ClinVar:

NM_000536.4(RAG2):c.724dup (p.Leu242fs)

Gene: RAG2 (recombination activating 2; minus strand). Cytogenetic location: 11p12.
Variant type: Duplication.
Coding change: c.724dup on transcript NM_000536.4 (MANE Select); coding-DNA position 724, one base duplicated (C; older notation c.724dupC).
Protein change: p.Leu242fs; shifts the reading frame from leucine 242.
Molecular consequence: frameshift variant.
Genome position (GRCh38, 1-based): chr11:36,593,445, G duplicated on the plus strand (C on the coding strand, the reverse complement: RAG2 is on the minus strand); the first of 4 consecutive G bases (chr11:36,593,445-36,593,448); duplicating any one gives the same sequence. VCF-style (leftmost placement, unchanged base first): chr11-36593444-A-AG. GRCh37 (hg19) VCF-style: chr11-36614994-A-AG.
Other names: c.724dup, p.Leu242fs (NM_001243785.2, NM_001243786.2); short protein forms L242fs.
Identifiers: ClinVar variation 1068713 (VCV001068713.10), dbSNP rs2133313784, ClinGen allele CA2499220940.

ClinVar aggregate classification (germline): Pathogenic/Likely pathogenic. Review status: criteria provided, multiple submitters, no conflicts (2 of 4 stars). 2 submissions from 2 submitters: Pathogenic (1); Likely pathogenic (1). Last evaluated 2023-10-09.

Conditions:
Combined immunodeficiency with skin granulomas. Identifiers: Orphanet 157949, MedGen C2673536, MONDO:0009306, OMIM 233650.
Severe combined immunodeficiency, autosomal recessive, T cell-negative, B cell-negative, NK cell-positive. Also called: SCID, T CELL-NEGATIVE, B CELL-NEGATIVE, NK CELL-POSITIVE; SCID, AR, T-cell negative, B-cell negative, NK cell-positive; Severe combined immunodeficiency due to complete RAG1/2 deficiency. Identifiers: Orphanet 331206, MedGen C1832322, MONDO:0011086, OMIM 601457.

Submissions (2):

Baylor Genetics
Classification: Likely pathogenic for Combined immunodeficiency with skin granulomas. Last evaluated: 2023-10-09. Review status: criteria provided, single submitter. Criteria: ACMG Guidelines, 2015. Collection method: clinical testing. Allele origin: unknown.

Labcorp Genetics (formerly Invitae), Labcorp
Classification: Pathogenic for Combined immunodeficiency with skin granulomas; Severe combined immunodeficiency, autosomal recessive, T cell-negative, B cell-negative, NK cell-positive. Last evaluated: 2020-07-28. Review status: criteria provided, single submitter. Criteria: Invitae Variant Classification Sherloc (09022015). Collection method: clinical testing. Allele origin: germline.
Comment: For these reasons, this variant has been classified as Pathogenic. This variant disrupts the C-terminus of the RAG2 protein. Other variant(s) that disrupt this region (p.Glu480*) have been determined to be pathogenic (PMID: 21624848, 29772310, 29772310). This suggests that variants that disrupt this region of the protein are likely to be causative of disease. This variant has not been reported in the literature in individuals with RAG2-related conditions. This variant is not present in population databases (ExAC no frequency). This sequence change results in a premature translational stop signal in the RAG2 gene (p.Leu242Profs*3). While this is not anticipated to result in nonsense mediated decay, it is expected to disrupt the last 286 amino acids of the RAG2 protein.

Literature cited by the submitters: PubMed 21624848 (cited by Labcorp Genetics (formerly Invitae), Labcorp); PubMed 29772310 (cited by Labcorp Genetics (formerly Invitae), Labcorp).